The following is an entry in ClinVar:

ClinVar aggregate classification (germline): Uncertain significance. Review status: criteria provided, multiple submitters, no conflicts (2 of 4 stars). 2 submissions from 2 submitters: Uncertain significance (2). Last evaluated 2025-12-22.

gnomAD v4.1: 9 of 1,613,526 alleles (0.00056%); highest among the groups gnomAD compares: East Asian, 0.0022%; no homozygotes.

Submissions (2):

Labcorp Genetics (formerly Invitae), Labcorp
Classification: Uncertain significance. Last evaluated: 2025-12-22. Review status: criteria provided, single submitter. Criteria: Invitae Variant Classification Sherloc (09022015). Collection method: clinical testing. Allele origin: germline.
Comment: This sequence change replaces valine, which is neutral and non-polar, with phenylalanine, which is neutral and non-polar, at codon 738 of the NPAT protein (p.Val738Phe). This variant is present in population databases (no rsID available, gnomAD 0.006%). This variant has not been reported in the literature in individuals affected with NPAT-related conditions. ClinVar contains an entry for this variant (Variation ID: 1787791). An algorithm developed to predict the effect of missense changes on protein structure and function (PolyPhen-2) suggests that this variant is likely to be disruptive. In summary, the available evidence is currently insufficient to determine the role of this variant in disease. Therefore, it has been classified as a Variant of Uncertain Significance.

Ambry Genetics
Classification: Uncertain significance. Last evaluated: 2024-02-27. Review status: criteria provided, single submitter. Criteria: Ambry Variant Classification Scheme 2023. Collection method: clinical testing. Allele origin: germline.
Comment: The p.V738F variant (also known as c.2212G>T), located in coding exon 13 of the NPAT gene, results from a G to T substitution at nucleotide position 2212. The valine at codon 738 is replaced by phenylalanine, an amino acid with highly similar properties. This amino acid position is conserved. In addition, the in silico prediction for this alteration is inconclusive. Since supporting evidence is limited at this time, the clinical significance of this alteration remains unclear.

NM_002519.3(NPAT):c.2212G>T (p.Val738Phe)

Gene: NPAT (nuclear protein, coactivator of histone transcription; minus strand). Cytogenetic location: 11q22.3.
Variant type: single nucleotide variant.
Coding change: c.2212G>T on transcript NM_002519.3 (MANE Select); coding-DNA position 2212, G replaced by T.
Protein change: p.Val738Phe; replaces valine 738 with phenylalanine.
Molecular consequence: missense variant.
Genome position (GRCh38, 1-based): chr11:108,172,772, C>A on the plus strand (G>T on the coding strand, the complement: NPAT is on the minus strand). VCF-style: chr11-108172772-C-A. GRCh37 (hg19) VCF-style: chr11-108043499-C-A.
Other names: c.2212G>T, p.Val738Phe (NM_001321307.1); short protein forms V738F.
Identifiers: ClinVar variation 1787791 (VCV001787791.5), dbSNP rs376339017, ClinGen allele CA382513448.